The following is an entry in ClinVar:

NM_012238.5(SIRT1):c.215C>T (p.Ala72Val)

Genes: SIRT1 (sirtuin 1; plus strand), LOC107832851 (SIRT1 promoter region; plus strand). Cytogenetic location: 10q21.3.
Variant type: single nucleotide variant.
Coding change: c.215C>T on transcript NM_012238.5 (MANE Select); coding-DNA position 215, C replaced by T.
Protein change: p.Ala72Val; replaces alanine 72 with valine.
Molecular consequence: missense variant.
Genome position (GRCh38, 1-based): chr10:67,884,936, C>T. VCF-style: chr10-67884936-C-T. GRCh37 (hg19) VCF-style: chr10-69644694-C-T.
Other names: short protein forms A72V.
Identifiers: ClinVar variation 2782193 (VCV002782193.3), dbSNP rs1461061909, ClinGen allele CA377035790.

ClinVar aggregate classification (germline): Uncertain significance (1 of 4 stars; one submission).

Allele frequency attached by ClinVar (database versions not stated): gnomAD 0.00001; gnomAD exomes 0.00001.
gnomAD v4.1: 11 of 1,246,060 alleles (0.00088%); highest among the groups gnomAD compares: African/African-American, 0.0016%; no homozygotes.

Submission:

Labcorp Genetics (formerly Invitae), Labcorp
Classification: Uncertain significance. Last evaluated: 2024-11-05. Review status: criteria provided, single submitter. Criteria: Invitae Variant Classification Sherloc (09022015). Collection method: clinical testing. Allele origin: germline.
Comment: This sequence change replaces alanine, which is neutral and non-polar, with valine, which is neutral and non-polar, at codon 72 of the SIRT1 protein (p.Ala72Val). This variant is not present in population databases (gnomAD no frequency). This variant has not been reported in the literature in individuals affected with SIRT1-related conditions. ClinVar contains an entry for this variant (Variation ID: 2782193). An algorithm developed to predict the effect of missense changes on protein structure and function (PolyPhen-2) suggests that this variant is likely to be disruptive. In summary, the available evidence is currently insufficient to determine the role of this variant in disease. Therefore, it has been classified as a Variant of Uncertain Significance.